The following is an entry in ClinVar:

NM_030777.4(SLC2A10):c.577G>A (p.Ala193Thr)

Gene: SLC2A10 (solute carrier family 2 member 10; plus strand). Cytogenetic location: 20q13.12.
Variant type: single nucleotide variant.
Coding change: c.577G>A on transcript NM_030777.4 (MANE Select); coding-DNA position 577, G replaced by A.
Protein change: p.Ala193Thr; replaces alanine 193 with threonine.
Molecular consequence: missense variant.
Genome position (GRCh38, 1-based): chr20:46,725,613, G>A. VCF-style: chr20-46725613-G-A. GRCh37 (hg19) VCF-style: chr20-45354252-G-A.
Other names: short protein forms A193T.
Identifiers: ClinVar variation 535834 (VCV000535834.6), dbSNP rs780965802, ClinGen allele CA315755821.

ClinVar aggregate classification (germline): Uncertain significance (1 of 4 stars; one submission).

Conditions:
Arterial tortuosity syndrome (ATORS). Identifiers: Orphanet 3342, MedGen C1859726, MONDO:0008818, OMIM 208050.

Allele frequency attached by ClinVar (database versions not stated): gnomAD exomes below 0.00001 and 0.00002; gnomAD 0.00001; TOPMed 0.00001.
gnomAD v4.1: 35 of 1,614,024 alleles (0.0022%); highest among the groups gnomAD compares: Non-Finnish European, 0.0029%; no homozygotes.

Submission:

Labcorp Genetics (formerly Invitae), Labcorp
Classification: Uncertain significance for Arterial tortuosity syndrome. Last evaluated: 2021-08-27. Review status: criteria provided, single submitter. Criteria: Invitae Variant Classification Sherloc (09022015). Collection method: clinical testing. Allele origin: germline.
Comment: This sequence change replaces alanine with threonine at codon 193 of the SLC2A10 protein (p.Ala193Thr). The alanine residue is moderately conserved and there is a small physicochemical difference between alanine and threonine. This variant is not present in population databases (ExAC no frequency). This variant has not been reported in the literature in individuals affected with SLC2A10-related conditions. Algorithms developed to predict the effect of missense changes on protein structure and function output the following: SIFT: "Tolerated"; PolyPhen-2: "Benign"; Align-GVGD: "Class C0". The threonine amino acid residue is found in multiple mammalian species, which suggests that this missense change does not adversely affect protein function. In summary, the available evidence is currently insufficient to determine the role of this variant in disease. Therefore, it has been classified as a Variant of Uncertain Significance.